The following is an entry in ClinVar:

NM_017649.5(CNNM2):c.195G>A (p.Ala65=)

Gene: CNNM2 (cyclin and CBS domain divalent metal cation transport mediator 2; plus strand). Cytogenetic location: 10q24.32.
Variant type: single nucleotide variant.
Coding change: c.195G>A on transcript NM_017649.5 (MANE Select); coding-DNA position 195, G replaced by A.
Protein change: p.Ala65=; no amino-acid change (alanine 65 retained).
Molecular consequence: synonymous variant.
Genome position (GRCh38, 1-based): chr10:102,918,675, G>A. VCF-style: chr10-102918675-G-A. GRCh37 (hg19) VCF-style: chr10-104678432-G-A.
Other names: c.195G>A, p.Ala65= (NM_199076.3, NM_199077.3).
Identifiers: ClinVar variation 3052157 (VCV003052157.3), dbSNP rs748005897, ClinGen allele CA5670239.
Genomic context (GRCh38, chr10:102,918,675, plus strand): 5'-GGGGCGGCTGCTGCCGCTGCTCCTGCTGAGCTGCTGCTGCGGTGCGGGCGGCTGCGCAGC[G>A]GTGGGCGAGAATGAGGAGACGGTGATCATCGGGCTGCGACTGGAGGACACGAACGACGTG-3'
Protein context (NP_060119.3, residues 55-75): SCCCGAGGCA[Ala65=]VGENEETVII

ClinVar aggregate classification (germline): Benign. Review status: criteria provided, single submitter (1 of 4 stars). 2 submissions from 2 submitters: Benign (1). 1 of the submissions does not count toward it. Last evaluated 2026-05-05.

Conditions:
CNNM2-related disorder. Also called: CNNM2-related condition.

Allele frequency attached by ClinVar (database versions not stated): gnomAD 0.00001; TOPMed 0.00002; gnomAD exomes 0.00004; ExAC 0.00011.
gnomAD v4.1: 57 of 1,552,298 alleles (0.0037%); highest among the groups gnomAD compares: Middle Eastern, 0.051%; 1 homozygote.

Submissions (2):

Revvity Omics, Revvity
Classification: Benign. Last evaluated: 2026-05-05. Review status: criteria provided, single submitter. Criteria: ACMG Guidelines, 2015. Collection method: clinical testing. Allele origin: germline.

PreventionGenetics, part of Exact Sciences
Classification: Likely benign for CNNM2-related condition. Last evaluated: 2020-02-26. Review status: no assertion criteria provided. Collection method: clinical testing. Allele origin: germline. Not counted in ClinVar's aggregate classification.
Comment: This variant is classified as likely benign based on ACMG/AMP sequence variant interpretation guidelines (Richards et al. 2015 PMID: 25741868, with internal and published modifications).